The following is an entry in ClinVar:

ClinVar aggregate classification (germline): Uncertain significance (1 of 4 stars; one submission).

Submission:

Labcorp Genetics (formerly Invitae), Labcorp
Classification: Uncertain significance. Last evaluated: 2023-10-03. Review status: criteria provided, single submitter. Criteria: Invitae Variant Classification Sherloc (09022015). Collection method: clinical testing. Allele origin: germline.
Comment: This sequence change replaces glutamic acid, which is acidic and polar, with lysine, which is basic and polar, at codon 600 of the RINT1 protein (p.Glu600Lys). This variant is not present in population databases (gnomAD no frequency). This variant has not been reported in the literature in individuals affected with RINT1-related conditions. An algorithm developed to predict the effect of missense changes on protein structure and function (PolyPhen-2) suggests that this variant is likely to be disruptive. In summary, the available evidence is currently insufficient to determine the role of this variant in disease. Therefore, it has been classified as a Variant of Uncertain Significance.

NM_021930.6(RINT1):c.1798G>A (p.Glu600Lys)

Gene: RINT1 (RAD50 interactor 1; plus strand). Cytogenetic location: 7q22.3.
Variant type: single nucleotide variant.
Coding change: c.1798G>A on transcript NM_021930.6 (MANE Select); coding-DNA position 1798, G replaced by A.
Protein change: p.Glu600Lys; replaces glutamic acid 600 with lysine.
Molecular consequence: missense variant. On other transcripts: non-coding transcript variant (1).
Genome position (GRCh38, 1-based): chr7:105,563,859, G>A. VCF-style: chr7-105563859-G-A. GRCh37 (hg19) VCF-style: chr7-105204306-G-A.
Other names: c.1564G>A, p.Glu522Lys (NM_001346599.2); c.775G>A, p.Glu259Lys (NM_001346600.2, NM_001346603.2); c.874G>A, p.Glu292Lys (NM_001346601.2); short protein forms E600K, E522K, E259K, E292K.
Identifiers: ClinVar variation 2764812 (VCV002764812.3), dbSNP rs2485176033, ClinGen allele CA368813967.